The following is an entry in ClinVar:

NM_014317.5(PDSS1):c.468-139G>A

Gene: PDSS1 (decaprenyl diphosphate synthase subunit 1; plus strand). Cytogenetic location: 10p12.1.
Variant type: single nucleotide variant.
Coding change: c.468-139G>A on transcript NM_014317.5 (MANE Select); 139 bases into the intron before coding-DNA position 468, G replaced by A.
Molecular consequence: intron variant.
Genome position (GRCh38, 1-based): chr10:26,720,079, G>A. VCF-style: chr10-26720079-G-A. GRCh37 (hg19) VCF-style: chr10-27009008-G-A.
Other names: c.-126-56G>A (NM_001321979.2); c.468-139G>A (NM_001321978.2).
Identifiers: ClinVar variation 675566 (VCV000675566.2), dbSNP rs11015248, ClinGen allele CA204403362.

ClinVar aggregate classification (germline): Benign. Review status: criteria provided, multiple submitters, no conflicts (2 of 4 stars). 2 submissions from 2 submitters: Benign (2). Last evaluated 2018-06-18.

Allele frequency attached by ClinVar (database versions not stated): gnomAD exomes 0.00219; gnomAD 0.02120 and 0.02266; TOPMed 0.02404; 1000 Genomes Project 0.02556; 1000 Genomes Project 30x 0.02701.
gnomAD v4.1: 5,721 of 1,237,172 alleles (0.46%); highest among the groups gnomAD compares: African/African-American, 7.1%; 176 homozygotes.

Submissions (2):

GeneDx
Classification: Benign. Last evaluated: 2018-06-18. Review status: criteria provided, single submitter. Criteria: GeneDx Variant Classification (06012015). Collection method: clinical testing. Allele origin: germline. Affected: yes.
Comment: This variant is considered likely benign or benign based on one or more of the following criteria: it is a conservative change, it occurs at a poorly conserved position in the protein, it is predicted to be benign by multiple in silico algorithms, and/or has population frequency not consistent with disease.

Breakthrough Genomics
Classification: Benign. Review status: criteria provided, single submitter. Criteria: ACMG Guidelines, 2015. Collection method: not provided. Allele origin: germline. Inheritance: Autosomal recessive inheritance. Affected: yes.